The following is an entry in ClinVar:

NM_014855.3(AP5Z1):c.1707+11_1707+12delinsCC

Gene: AP5Z1 (adaptor related protein complex 5 subunit zeta 1; plus strand). Cytogenetic location: 7p22.1.
Variant type: Indel.
Coding change: c.1707+11_1707+12delinsCC on transcript NM_014855.3 (MANE Select); bases 11 to 12 of the intron after coding-DNA position 1707, TG replaced by CC.
Molecular consequence: intron variant.
Genome position (GRCh38, 1-based): chr7:4,788,962-4,788,963, TG replaced by CC. VCF-style: chr7-4788962-TG-CC. GRCh37 (hg19) VCF-style: chr7-4828593-TG-CC.
Other names: c.1239+11_1239+12delinsCC (NM_001364858.1).
Identifiers: ClinVar variation 2179720 (VCV002179720.1), dbSNP rs2534068915, ClinGen allele CA2580076828.

ClinVar aggregate classification (germline): Uncertain significance (1 of 4 stars; one submission).

Conditions:
Hereditary spastic paraplegia 48. Also called: SPASTIC PARAPLEGIA 48, AUTOSOMAL RECESSIVE; Spastic paraplegia 48. Identifiers: Orphanet 306511, MedGen C3150901, MONDO:0013342, OMIM 613647.

Submission:

Labcorp Genetics (formerly Invitae), Labcorp
Classification: Uncertain significance for Hereditary spastic paraplegia 48. Last evaluated: 2022-05-12. Review status: criteria provided, single submitter. Criteria: Invitae Variant Classification Sherloc (09022015). Collection method: clinical testing. Allele origin: germline.
Comment: This sequence change falls in intron 13 of the AP5Z1 gene. It does not directly change the encoded amino acid sequence of the AP5Z1 protein. Information on the frequency of this variant in the gnomAD database is not available, as this variant may be reported differently in the database. This variant has not been reported in the literature in individuals affected with AP5Z1-related conditions. Experimental studies and prediction algorithms are not available or were not evaluated, and the effect of this variant on mRNA splicing is currently unknown. In summary, the available evidence is currently insufficient to determine the role of this variant in disease. Therefore, it has been classified as a Variant of Uncertain Significance.